The following is an entry in ClinVar:

NM_052947.4(ALPK2):c.6176A>G (p.Gln2059Arg)

Gene: ALPK2 (alpha kinase 2; minus strand). Cytogenetic location: 18q21.31.
Variant type: single nucleotide variant.
Coding change: c.6176A>G on transcript NM_052947.4 (MANE Select); coding-DNA position 6176, A replaced by G.
Protein change: p.Gln2059Arg; replaces glutamine 2059 with arginine.
Molecular consequence: missense variant.
Genome position (GRCh38, 1-based): chr18:58,504,002, T>C on the plus strand (A>G on the coding strand, the complement: ALPK2 is on the minus strand). VCF-style: chr18-58504002-T-C. GRCh37 (hg19) VCF-style: chr18-56171234-T-C.
Other names: short protein forms Q2059R.
Identifiers: ClinVar variation 1752025 (VCV001752025.2), dbSNP rs2518854940, ClinGen allele CA402543480.

ClinVar aggregate classification (germline): Uncertain significance (1 of 4 stars; one submission).

Submission:

Ambry Genetics
Classification: Uncertain significance. Last evaluated: 2022-08-11. Review status: criteria provided, single submitter. Criteria: Ambry Variant Classification Scheme 2023. Collection method: clinical testing. Allele origin: germline.
Comment: The p.Q2059R variant (also known as c.6176A>G), located in coding exon 10 of the ALPK2 gene, results from an A to G substitution at nucleotide position 6176. The glutamine at codon 2059 is replaced by arginine, an amino acid with highly similar properties. This amino acid position is conserved. In addition, this alteration is predicted to be tolerated by in silico analysis. Since supporting evidence is limited at this time, the clinical significance of this alteration remains unclear.